The following is an entry in ClinVar:

ClinVar aggregate classification (germline): Likely benign (1 of 4 stars; one submission).

Conditions:
LRIG2-related disorder. Also called: LRIG2-related condition.

gnomAD v4.1: 135 of 1,613,964 alleles (0.0084%); highest among the groups gnomAD compares: Middle Eastern, 0.016%; no homozygotes.

Submission:

PreventionGenetics, part of Exact Sciences
Classification: Likely benign for LRIG2-related condition. Last evaluated: 2026-05-14. Review status: criteria provided, single submitter. Criteria: ACMG Guidelines, 2015. Collection method: clinical testing. Allele origin: germline.
Comment: This variant is classified as likely benign based on ACMG/AMP sequence variant interpretation guidelines (Richards et al. 2015 PMID: 25741868, with internal and published modifications).

NM_014813.3(LRIG2):c.2886G>A (p.Pro962=)

Gene: LRIG2 (leucine rich repeats and immunoglobulin like domains 2; plus strand). Cytogenetic location: 1p13.2.
Variant type: single nucleotide variant.
Coding change: c.2886G>A on transcript NM_014813.3 (MANE Select); coding-DNA position 2886, G replaced by A.
Protein change: p.Pro962=; no amino-acid change (proline 962 retained).
Molecular consequence: synonymous variant.
Genome position (GRCh38, 1-based): chr1:113,119,438, G>A. VCF-style: chr1-113119438-G-A. GRCh37 (hg19) VCF-style: chr1-113662060-G-A.
Other names: c.2577G>A, p.Pro859= (NM_001312686.2).
Identifiers: ClinVar variation 4980162 (VCV004980162.1).